The following is an entry in ClinVar:

NM_018127.7(ELAC2):c.2163G>T (p.Met721Ile)

Gene: ELAC2 (elaC ribonuclease Z 2; minus strand). Cytogenetic location: 17p12.
Variant type: single nucleotide variant.
Coding change: c.2163G>T on transcript NM_018127.7 (MANE Select); coding-DNA position 2163, G replaced by T.
Protein change: p.Met721Ile; replaces methionine 721 with isoleucine.
Molecular consequence: missense variant.
Genome position (GRCh38, 1-based): chr17:12,993,777, C>A on the plus strand (G>T on the coding strand, the complement: ELAC2 is on the minus strand). VCF-style: chr17-12993777-C-A. GRCh37 (hg19) VCF-style: chr17-12897094-C-A.
Other names: c.2043G>T, p.Met681Ile (NM_001165962.2); c.2160G>T, p.Met720Ile (NM_173717.2); short protein forms M721I, M681I, M720I.
Identifiers: ClinVar variation 408859 (VCV000408859.5), dbSNP rs769609689, ClinGen allele CA8400896.

ClinVar aggregate classification (germline): Uncertain significance (1 of 4 stars; one submission).

Conditions:
Combined oxidative phosphorylation defect type 17. Also called: Combined oxidative phosphorylation deficiency 17. Identifiers: Orphanet 369913, MedGen C3809526, MONDO:0014190, OMIM 615440.

Allele frequency attached by ClinVar (database versions not stated): TOPMed below 0.00001; ExAC 0.00001; gnomAD exomes 0.00001.
gnomAD v4.1: 3 of 1,614,154 alleles (0.00019%); highest among the groups gnomAD compares: South Asian, 0.0022%; no homozygotes.

Submission:

Labcorp Genetics (formerly Invitae), Labcorp
Classification: Uncertain significance for Combined oxidative phosphorylation defect type 17. Last evaluated: 2022-07-09. Review status: criteria provided, single submitter. Criteria: Invitae Variant Classification Sherloc (09022015). Collection method: clinical testing. Allele origin: germline.
Comment: This sequence change replaces methionine, which is neutral and non-polar, with isoleucine, which is neutral and non-polar, at codon 721 of the ELAC2 protein (p.Met721Ile). This variant is present in population databases (rs769609689, gnomAD 0.003%). This variant has not been reported in the literature in individuals affected with ELAC2-related conditions. ClinVar contains an entry for this variant (Variation ID: 408859). Algorithms developed to predict the effect of missense changes on protein structure and function (SIFT, PolyPhen-2, Align-GVGD) all suggest that this variant is likely to be tolerated. In summary, the available evidence is currently insufficient to determine the role of this variant in disease. Therefore, it has been classified as a Variant of Uncertain Significance.